The following is an entry in ClinVar:

ClinVar aggregate classification (germline): Likely benign. Review status: criteria provided, single submitter (1 of 4 stars). 2 submissions from 2 submitters: Likely benign (1). 1 of the submissions does not count toward it. Last evaluated 2023-03-23.

Conditions:
Hereditary cancer-predisposing syndrome. Also called: Neoplastic Syndromes, Hereditary; Tumor predisposition; Hereditary Cancer Syndrome; Hereditary neoplastic syndrome. Identifiers: Orphanet 140162, MedGen C0027672, MeSH D009386, MONDO:0015356.
Breast-ovarian cancer, familial, susceptibility to, 2 (BROVCA2). Also called: BRCA2 Hereditary Breast and Ovarian Cancer. Identifiers: Orphanet 145, MedGen C2675520, MONDO:0012933, OMIM 612555. Disease mechanism: loss of function.

Submissions (2):

University of Washington Department of Laboratory Medicine, University of Washington
Classification: Likely benign for Hereditary cancer-predisposing syndrome. Last evaluated: 2023-03-23. Review status: criteria provided, single submitter. Criteria: Dines et al. (Genet Med. 2020). Collection method: curation. Allele origin: germline.
Comment: Missense variant in a coldspot region where missense variants are very unlikely to be pathogenic (PMID:31911673).

BRCA2 exon 11 coldspot. Reclassification based on statistical prior probability.

Breast Cancer Information Core (BIC) (BRCA2)
Classification: Uncertain significance for Breast-ovarian cancer, familial 2. Last evaluated: 2004-02-20. Review status: no assertion criteria provided. Collection method: clinical testing. Allele origin: germline. Affected: yes. Observed: 1 variant allele. Not counted in ClinVar's aggregate classification.

NM_000059.4(BRCA2):c.2503C>T (p.Pro835Ser)

Gene: BRCA2 (BRCA2 DNA repair associated; plus strand). Cytogenetic location: 13q13.1.
Variant type: single nucleotide variant.
Coding change: c.2503C>T on transcript NM_000059.4 (MANE Select); coding-DNA position 2503, C replaced by T.
Protein change: p.Pro835Ser; replaces proline 835 with serine.
Molecular consequence: missense variant.
Genome position (GRCh38, 1-based): chr13:32,336,858, C>T. VCF-style: chr13-32336858-C-T. GRCh37 (hg19) VCF-style: chr13-32910995-C-T.
Other names: short protein forms P835S.
Identifiers: ClinVar variation 51297 (VCV000051297.4), dbSNP rs80358514, ClinGen allele CA015495.